The following is an entry in ClinVar:

ClinVar aggregate classification (germline): Uncertain significance (1 of 4 stars; one submission).

Allele frequency attached by ClinVar (database versions not stated): gnomAD exomes below 0.00001; TOPMed 0.00002.
gnomAD v4.1: 2 of 1,613,826 alleles (0.00012%); highest among the groups gnomAD compares: Non-Finnish European, 0.000085%; no homozygotes.

Submission:

Labcorp Genetics (formerly Invitae), Labcorp
Classification: Uncertain significance. Last evaluated: 2023-07-29. Review status: criteria provided, single submitter. Criteria: Invitae Variant Classification Sherloc (09022015). Collection method: clinical testing. Allele origin: germline.
Comment: An algorithm developed to predict the effect of missense changes on protein structure and function (PolyPhen-2) suggests that this variant is likely to be tolerated. In summary, the available evidence is currently insufficient to determine the role of this variant in disease. Therefore, it has been classified as a Variant of Uncertain Significance. This variant has not been reported in the literature in individuals affected with C3-related conditions. This variant is not present in population databases (gnomAD no frequency). This sequence change replaces glutamine, which is neutral and polar, with arginine, which is basic and polar, at codon 1378 of the C3 protein (p.Gln1378Arg).

NM_000064.4(C3):c.4133A>G (p.Gln1378Arg)

Gene: C3 (complement C3; minus strand). Cytogenetic location: 19p13.3.
Variant type: single nucleotide variant.
Coding change: c.4133A>G on transcript NM_000064.4 (MANE Select); coding-DNA position 4133, A replaced by G.
Protein change: p.Gln1378Arg; replaces glutamine 1378 with arginine.
Molecular consequence: missense variant.
Genome position (GRCh38, 1-based): chr19:6,684,427, T>C on the plus strand (A>G on the coding strand, the complement: C3 is on the minus strand). VCF-style: chr19-6684427-T-C. GRCh37 (hg19) VCF-style: chr19-6684438-T-C.
Other names: short protein forms Q1378R.
Identifiers: ClinVar variation 2792508 (VCV002792508.3), dbSNP rs1036878128, ClinGen allele CA304774441.